The following is an entry in ClinVar:

NM_001031710.3(KLHL7):c.755T>C (p.Leu252Pro)

Gene: KLHL7 (kelch like family member 7; plus strand). Cytogenetic location: 7p15.3.
Variant type: single nucleotide variant.
Coding change: c.755T>C on transcript NM_001031710.3 (MANE Select); coding-DNA position 755, T replaced by C.
Protein change: p.Leu252Pro; replaces leucine 252 with proline.
Molecular consequence: missense variant. On other transcripts: non-coding transcript variant (1).
Genome position (GRCh38, 1-based): chr7:23,143,987, T>C. VCF-style: chr7-23143987-T-C. GRCh37 (hg19) VCF-style: chr7-23183606-T-C.
Other names: c.611T>C, p.Leu204Pro (NM_018846.5); short protein forms L204P, L252P.
Identifiers: ClinVar variation 1717498 (VCV001717498.5), dbSNP rs2534870293, ClinGen allele CA366977976.

ClinVar aggregate classification (germline): Uncertain significance (1 of 4 stars; one submission).

gnomAD v4.1: 1 of 1,614,044 alleles (0.000062%); no homozygotes.

Submission:

Labcorp Genetics (formerly Invitae), Labcorp
Classification: Uncertain significance. Last evaluated: 2022-09-15. Review status: criteria provided, single submitter. Criteria: Invitae Variant Classification Sherloc (09022015). Collection method: clinical testing. Allele origin: germline.
Comment: In summary, the available evidence is currently insufficient to determine the role of this variant in disease. Therefore, it has been classified as a Variant of Uncertain Significance. Algorithms developed to predict the effect of missense changes on protein structure and function (SIFT, PolyPhen-2, Align-GVGD) all suggest that this variant is likely to be disruptive. This variant has not been reported in the literature in individuals affected with KLHL7-related conditions. This variant is not present in population databases (gnomAD no frequency). This sequence change replaces leucine, which is neutral and non-polar, with proline, which is neutral and non-polar, at codon 252 of the KLHL7 protein (p.Leu252Pro).